The following is an entry in ClinVar:

NM_005219.5(DIAPH1):c.2236G>T (p.Gly746Cys)

Gene: DIAPH1 (diaphanous related formin 1; minus strand). Cytogenetic location: 5q31.3.
Variant type: single nucleotide variant.
Coding change: c.2236G>T on transcript NM_005219.5 (MANE Select); coding-DNA position 2236, G replaced by T.
Protein change: p.Gly746Cys; replaces glycine 746 with cysteine.
Molecular consequence: missense variant.
Genome position (GRCh38, 1-based): chr5:141,573,614, C>A on the plus strand (G>T on the coding strand, the complement: DIAPH1 is on the minus strand). VCF-style: chr5-141573614-C-A. GRCh37 (hg19) VCF-style: chr5-140953181-C-A.
Other names: c.2209G>T, p.Gly737Cys (NM_001079812.3); c.2236G>T, p.Gly746Cys (NM_001314007.2); c.2236G>T (NM_005219.4); short protein forms G737C, G746C.
Identifiers: ClinVar variation 1363230 (VCV001363230.9), dbSNP rs1258812442, ClinGen allele CA361517041.

ClinVar aggregate classification (germline): Uncertain significance (1 of 4 stars; one submission).

Conditions:
Autosomal dominant nonsyndromic hearing loss 1. Also called: KONIGSMARK SYNDROME; DEAFNESS, AUTOSOMAL DOMINANT 1, WITH OR WITHOUT THROMBOCYTOPENIA. Identifiers: Orphanet 90635, MedGen C1852282, MONDO:0007424, OMIM 124900.
Progressive microcephaly-seizures-cortical blindness-developmental delay syndrome. Also called: Seizures, cortical blindness, and microcephaly syndrome. Identifiers: Orphanet 477814, MedGen C5567650, MONDO:0014714, OMIM 616632.

Submission:

Labcorp Genetics (formerly Invitae), Labcorp
Classification: Uncertain significance for Progressive microcephaly-seizures-cortical blindness-developmental delay syndrome; Autosomal dominant nonsyndromic hearing loss 1. Last evaluated: 2021-01-07. Review status: criteria provided, single submitter. Criteria: Invitae Variant Classification Sherloc (09022015). Collection method: clinical testing. Allele origin: germline.
Comment: In summary, the available evidence is currently insufficient to determine the role of this variant in disease. Therefore, it has been classified as a Variant of Uncertain Significance. Algorithms developed to predict the effect of missense changes on protein structure and function output the following: SIFT: "Deleterious"; PolyPhen-2: "Not Available"; Align-GVGD: "Class C0". The cysteine amino acid residue is found in multiple mammalian species, suggesting that this missense change does not adversely affect protein function. These predictions have not been confirmed by published functional studies and their clinical significance is uncertain. This variant has not been reported in the literature in individuals with DIAPH1-related conditions. This variant is not present in population databases (ExAC no frequency). This sequence change replaces glycine with cysteine at codon 746 of the DIAPH1 protein (p.Gly746Cys). The glycine residue is moderately conserved and there is a large physicochemical difference between glycine and cysteine.